The following is an entry in ClinVar:

NM_030777.4(SLC2A10):c.297_301del (p.Trp100fs)

Gene: SLC2A10 (solute carrier family 2 member 10; plus strand). Cytogenetic location: 20q13.12.
Variant type: Microsatellite.
Coding change: c.297_301del on transcript NM_030777.4 (MANE Select); coding-DNA positions 297 to 301, 5 bases deleted (CTGGC; older notation c.297_301delCTGGC).
Protein change: p.Trp100fs; shifts the reading frame from tryptophan 100.
Molecular consequence: frameshift variant.
Genome position (GRCh38, 1-based): chr20:46,725,333-46,725,337, CTGGC deleted; deleting any 5 consecutive bases within chr20:46,725,327-46,725,337 gives the same sequence; the c. name uses the placement nearest the transcript's 3' end. VCF-style (leftmost placement, unchanged base first): chr20-46725326-CCCTGG-C. GRCh37 (hg19) VCF-style: chr20-45353965-CCCTGG-C.
Other names: c.297_301delCTGGC (NM_030777.4); short protein forms W100fs.
Identifiers: ClinVar variation 3773763 (VCV003773763.1).

ClinVar aggregate classification (germline): Pathogenic (1 of 4 stars; one submission).

Conditions:
Arterial tortuosity syndrome (ATORS). Identifiers: Orphanet 3342, MedGen C1859726, MONDO:0008818, OMIM 208050.

Submission:

Molecular Genetics, Royal Melbourne Hospital
Classification: Pathogenic for Arterial tortuosity syndrome. Last evaluated: 2024-09-08. Review status: criteria provided, single submitter. Criteria: ACMG Guidelines, 2015. Collection method: clinical testing. Allele origin: germline. Inheritance: Autosomal recessive inheritance.
Comment: This sequence change in SLC2A10 is a frameshift variant predicted to create a premature stop codon, p.(Trp100Glyfs*39), in biologically relevant exon 2/5 leading to nonsense-mediated decay in a gene in which loss-of-function is an established disease mechanism (PMID: 16550171). Loss-of-function variants are a well-established cause of disease in exon 2 (ClinVar). The highest population minor allele frequency in the population database gnomAD v4.1 is 0.0003% (3/1,180,040 alleles) in the European (non-Finnish) population, consistent with recessive disease. To our knowledge, this variant has not been previously reported in the relevant scientific literature or databases. Based on the classification scheme RMH Modified ACMG/AMP Guidelines v1.7.0, this variant is classified as PATHOGENIC. Following criteria are met: PVS1, PM2_Supporting, PM5_Supporting.

Literature cited by the submitters: PubMed 16550171.